The following is an entry in ClinVar:

ClinVar aggregate classification (germline): Likely benign. Review status: criteria provided, single submitter (1 of 4 stars). 2 submissions from 2 submitters: Likely benign (1). 1 of the submissions does not count toward it. Last evaluated 2023-01-31.

Conditions:
HYCC1-related disorder. Also called: HYCC1-related condition.

Allele frequency attached by ClinVar (database versions not stated): 1000 Genomes Project 30x 0.00016; 1000 Genomes Project 0.00020; gnomAD 0.00056; ExAC 0.00061; TOPMed 0.00069; gnomAD exomes 0.00074.
gnomAD v4.1: 1,149 of 1,550,438 alleles (0.074%); highest among the groups gnomAD compares: Middle Eastern, 0.73%; 1 homozygote.

Submissions (2):

Blueprint Genetics
Classification: Likely benign. Last evaluated: 2023-01-31. Review status: criteria provided, single submitter. Criteria: ACMG Guidelines, 2015. Collection method: clinical testing. Allele origin: germline.

PreventionGenetics, part of Exact Sciences
Classification: Likely benign for HYCC1-related condition. Last evaluated: 2019-06-13. Review status: no assertion criteria provided. Collection method: clinical testing. Allele origin: germline. Not counted in ClinVar's aggregate classification.
Comment: This variant is classified as likely benign based on ACMG/AMP sequence variant interpretation guidelines (Richards et al. 2015 PMID: 25741868, with internal and published modifications).

NM_032581.4(HYCC1):c.992-901A>G

Gene: HYCC1 (hyccin PI4KA lipid kinase complex subunit 1; minus strand). Cytogenetic location: 7p15.3.
Variant type: single nucleotide variant.
Coding change: c.992-901A>G on transcript NM_032581.4 (MANE Select); 901 bases into the intron before coding-DNA position 992, A replaced by G.
Molecular consequence: intron variant. On other transcripts: missense variant (2).
Genome position (GRCh38, 1-based): chr7:22,947,064, T>C on the plus strand (A>G on the coding strand, the complement: HYCC1 is on the minus strand). VCF-style: chr7-22947064-T-C. GRCh37 (hg19) VCF-style: chr7-22986683-T-C.
Other names: c.1175A>G, p.Lys392Arg (NM_001363466.2, NM_001363467.2); short protein forms K392R.
Identifiers: ClinVar variation 3056825 (VCV003056825.3), dbSNP rs550919684, ClinGen allele CA4185824.